The following is an entry in ClinVar:

NM_000439.5(PCSK1):c.129G>C (p.Pro43=)

Genes: CAST (calpastatin; plus strand), PCSK1 (proprotein convertase subtilisin/kexin type 1; minus strand), LOC101929710 (uncharacterized LOC101929710; plus strand). Cytogenetic location: 5q15.
Variant type: single nucleotide variant.
Coding change: c.129G>C on transcript NM_000439.5 (MANE Select); coding-DNA position 129, G replaced by C.
Protein change: p.Pro43=; no amino-acid change (proline 43 retained).
Molecular consequence: synonymous variant. On other transcripts: intron variant (11).
Genome position (GRCh38, 1-based): chr5:96,432,914, C>G on the plus strand (G>C on the coding strand, the complement: PCSK1 is on the minus strand). VCF-style: chr5-96432914-C-G. GRCh37 (hg19) VCF-style: chr5-95768618-C-G.
Other names: c.-175+53262C>G (NM_001423254.1, NM_001423259.1, NM_001423255.1 and 6 more transcripts); c.-103+53262C>G (NM_001423253.1); c.-40+53262C>G (NM_001423258.1).
Identifiers: ClinVar variation 3035299 (VCV003035299.2), dbSNP rs141507819, ClinGen allele CA3350596.

ClinVar aggregate classification (germline): Likely benign (0 of 4 stars; one submission).

Conditions:
PCSK1-related disorder. Also called: PCSK1-related condition.

Allele frequency attached by ClinVar (database versions not stated): TOPMed 0.00005; ESP Exome Variant Server 0.00015; gnomAD 0.00003; ExAC 0.00002.
gnomAD v4.1: 14 of 1,614,008 alleles (0.00087%); highest among the groups gnomAD compares: African/African-American, 0.017%; no homozygotes.

Submission:

PreventionGenetics, part of Exact Sciences
Classification: Likely benign for PCSK1-related condition. Last evaluated: 2020-11-13. Review status: no assertion criteria provided. Collection method: clinical testing. Allele origin: germline.
Comment: This variant is classified as likely benign based on ACMG/AMP sequence variant interpretation guidelines (Richards et al. 2015 PMID: 25741868, with internal and published modifications).